The following is an entry in ClinVar:

NM_001282874.2(SMARCA1):c.3007T>C (p.Phe1003Leu)

Gene: SMARCA1 (SNF2 related chromatin remodeling ATPase 1; minus strand). Cytogenetic location: Xq25.
Variant type: single nucleotide variant.
Coding change: c.3007T>C on transcript NM_001282874.2 (MANE Select); coding-DNA position 3007, T replaced by C.
Protein change: p.Phe1003Leu; replaces phenylalanine 1003 with leucine.
Molecular consequence: missense variant.
Genome position (GRCh38, 1-based): chrX:129,465,543, A>G on the plus strand (T>C on the coding strand, the complement: SMARCA1 is on the minus strand). VCF-style: chrX-129465543-A-G. GRCh37 (hg19) VCF-style: chrX-128599520-A-G.
Other names: c.2971T>C, p.Phe991Leu (NM_001282875.2, NM_001378262.1, NM_001378263.1 and 1 more transcripts); c.3007T>C, p.Phe1003Leu (NM_001378261.1, NM_003069.5); short protein forms F1003L, F991L.
Identifiers: ClinVar variation 3901135 (VCV003901135.2).

ClinVar aggregate classification (germline): Uncertain significance. Review status: criteria provided, single submitter (1 of 4 stars). 2 submissions from 2 submitters: Uncertain significance (1). 1 of the submissions does not count toward it. Last evaluated 2025-05-01.

Conditions:
NEURODEVELOPMENTAL DISORDER WITH OR WITHOUT MACROCEPHALY (NEDMAC). Identifiers: MedGen CN382567, OMIM 301174.
Neurodevelopmental disorder. Identifiers: MedGen C1535926, MeSH D065886, MONDO:0700092.

Submissions (2):

Developmental Brain Disorders Lab, Seattle Children's Hospital
Classification: Uncertain significance for Neurodevelopmental disorder. Last evaluated: 2025-05-01. Review status: criteria provided, single submitter. Criteria: ACMG Guidelines, 2015. Collection method: research. Allele origin: maternal. Affected: yes.
Comment: This is a missense variant that is absent in gnomAD v4.1.0. It is predicted to have a deleterious effect through computational prediction tools. It meets ACMG variant classification criteria (PM2, PP3) (PMID:25741868)

OMIM
Classification: Pathogenic for NEURODEVELOPMENTAL DISORDER WITH MACROCEPHALY. Last evaluated: 2026-11-10. Review status: no assertion criteria provided. Collection method: literature only. Allele origin: germline. Not counted in ClinVar's aggregate classification.

Literature cited by the submitters: PubMed 41213919 (cited by OMIM).